The following is an entry in ClinVar:

NM_003361.4(UMOD):c.628G>A (p.Gly210Ser)

Gene: UMOD (uromodulin; minus strand). Cytogenetic location: 16p12.3.
Variant type: single nucleotide variant.
Coding change: c.628G>A on transcript NM_003361.4 (MANE Select); coding-DNA position 628, G replaced by A.
Protein change: p.Gly210Ser; replaces glycine 210 with serine.
Molecular consequence: missense variant. On other transcripts: non-coding transcript variant (1).
Genome position (GRCh38, 1-based): chr16:20,348,673, C>T on the plus strand (G>A on the coding strand, the complement: UMOD is on the minus strand). VCF-style: chr16-20348673-C-T. GRCh37 (hg19) VCF-style: chr16-20359995-C-T.
Other names: c.628G>A, p.Gly210Ser (NM_001008389.3, NM_001378232.1, NM_001378233.1 and 3 more transcripts); c.727G>A, p.Gly243Ser (NM_001278614.2); short protein forms G210S, G243S.
Identifiers: ClinVar variation 562320 (VCV000562320.4), dbSNP rs1567309965, ClinGen allele CA394985270.

ClinVar aggregate classification (germline): Conflicting classifications of pathogenicity. Review status: criteria provided, conflicting classifications (1 of 4 stars). 3 submissions from 3 submitters: Likely pathogenic (1); Uncertain significance (1). 1 of the submissions does not count toward it. Last evaluated 2024-04-11.

Conditions:
Familial juvenile hyperuricemic nephropathy type 1 (ADTKD1). Also called: Autosomal Dominant Tubulointerstitial Kidney Disease – UMOD; Glomerulocystic kidney disease with hyperuricemia and isosthenuria; Medullary cystic kidney disease 2; UMOD-Associated Kidney Disease; Uromodulin-associated kidney disease. Identifiers: Orphanet 209886, Orphanet 34149, Orphanet 88950, MedGen C4551496, MONDO:0008073, OMIM 162000.

Submissions (3):

Fulgent Genetics
Classification: Likely pathogenic for Familial juvenile hyperuricemic nephropathy type 1. Last evaluated: 2024-04-11. Review status: criteria provided, single submitter. Criteria: ACMG Guidelines, 2015. Collection method: clinical testing. Allele origin: germline.

GeneDx
Classification: Uncertain significance. Last evaluated: 2019-12-10. Review status: criteria provided, single submitter. Criteria: GeneDx Variant Classification Process June 2021. Collection method: clinical testing. Allele origin: germline. Affected: yes.
Comment: Observed in multiple individuals with familial juvenile hyperuricaemic nephropathy / medullary cystic kidney disease (FJHN/MCKD) in published literature, however, additional information was not available (Bollee et al., 2011); Not observed in large population cohorts (Lek et al., 2016); In silico analysis, which includes protein predictors and evolutionary conservation, supports a deleterious effect; This variant is associated with the following publications: (PMID: 25786455, 21654721, 21868615)

Gharavi Laboratory, Columbia University
Classification: Likely pathogenic. Last evaluated: 2018-09-16. Review status: no assertion criteria provided. Criteria: ACMG Guidelines, 2015. Collection method: research. Allele origin: germline. Affected: yes. Not counted in ClinVar's aggregate classification.